The following is an entry in ClinVar:

NM_001369.3(DNAH5):c.6527C>T (p.Thr2176Met)

Gene: DNAH5 (dynein axonemal heavy chain 5; minus strand). Cytogenetic location: 5p15.2.
Variant type: single nucleotide variant.
Coding change: c.6527C>T on transcript NM_001369.3 (MANE Select); coding-DNA position 6527, C replaced by T.
Protein change: p.Thr2176Met; replaces threonine 2176 with methionine.
Molecular consequence: missense variant.
Genome position (GRCh38, 1-based): chr5:13,824,251, G>A on the plus strand (C>T on the coding strand, the complement: DNAH5 is on the minus strand). VCF-style: chr5-13824251-G-A. GRCh37 (hg19) VCF-style: chr5-13824360-G-A.
Other names: p.Thr2176Met; c.6527C>T (NM_001369.2); short protein forms T2176M.
Identifiers: ClinVar variation 2194181 (VCV002194181.5), dbSNP rs776292592, ClinGen allele CA3203372.
Genomic context (GRCh38, chr5:13,824,251, plus strand): 5'-AGTCTTACCAGTTTAGAAAGATTCATGTCCCGTAGTACACGCATGACAATCGTGGACTCC[G>A]TATCCATTGGATTGGCTCTTTTTGCTGCTCCCAAGGTCCGAAGAACTGACAGAATGTTAC-3'
Protein context (NP_001360.1, residues 2166-2186): GAAKRANPMD[Thr2176Met]ESTIVMRVLR

ClinVar aggregate classification (germline): Conflicting classifications of pathogenicity. Review status: criteria provided, conflicting classifications (1 of 4 stars). 3 submissions from 3 submitters: Uncertain significance (2); Likely benign (1). Last evaluated 2025-03-21.

Conditions:
Primary ciliary dyskinesia. Also called: Ciliary dyskinesia. Identifiers: Orphanet 244, MedGen C0008780, MONDO:0016575, HP:0012265.

Allele frequency attached by ClinVar (database versions not stated): gnomAD 0.00001; gnomAD exomes 0.00001; TOPMed 0.00001; ExAC 0.00003.
gnomAD v4.1: 18 of 1,613,768 alleles (0.0011%); highest among the groups gnomAD compares: South Asian, 0.0077%; no homozygotes.

Submissions (3):

Mayo Clinic Laboratories, Mayo Clinic
Classification: Uncertain significance. Last evaluated: 2025-03-21. Review status: criteria provided, single submitter. Criteria: ACMG Guidelines, 2015. Collection method: clinical testing. Allele origin: germline. Observed: 1 variant allele.

GeneDx
Classification: Uncertain significance. Last evaluated: 2025-02-21. Review status: criteria provided, single submitter. Criteria: GeneDx Variant Classification Process June 2021. Collection method: clinical testing. Allele origin: germline. Affected: yes.
Comment: In silico analysis supports that this missense variant has a deleterious effect on protein structure/function; Has not been previously published as pathogenic or benign to our knowledge

Labcorp Genetics (formerly Invitae), Labcorp
Classification: Likely benign for Primary ciliary dyskinesia. Last evaluated: 2024-10-21. Review status: criteria provided, single submitter. Criteria: Invitae Variant Classification Sherloc (09022015). Collection method: clinical testing. Allele origin: germline.